The following is an entry in ClinVar:

NM_032578.4(MYPN):c.1076A>G (p.Glu359Gly)

Gene: MYPN (myopalladin; plus strand). Cytogenetic location: 10q21.3.
Variant type: single nucleotide variant.
Coding change: c.1076A>G on transcript NM_032578.4 (MANE Select); coding-DNA position 1076, A replaced by G.
Protein change: p.Glu359Gly; replaces glutamic acid 359 with glycine.
Molecular consequence: missense variant. On other transcripts: non-coding transcript variant (2).
Genome position (GRCh38, 1-based): chr10:68,143,113, A>G. VCF-style: chr10-68143113-A-G. GRCh37 (hg19) VCF-style: chr10-69902870-A-G.
Other names: c.1076A>G, p.Glu359Gly (NM_001256267.2); c.194A>G, p.Glu65Gly (NM_001256268.2); short protein forms E359G, E65G.
Identifiers: ClinVar variation 1308950 (VCV001308950.2), dbSNP rs2134066905, ClinGen allele CA376829567.

ClinVar aggregate classification (germline): Uncertain significance (1 of 4 stars; one submission).

Allele frequency attached by ClinVar (database versions not stated): gnomAD exomes 0.00001.
gnomAD v4.1: 5 of 1,613,722 alleles (0.00031%); highest among the groups gnomAD compares: Non-Finnish European, 0.00042%; no homozygotes.

Submission:

GeneDx
Classification: Uncertain significance. Last evaluated: 2019-10-07. Review status: criteria provided, single submitter. Criteria: GeneDx Variant Classification Process June 2021. Collection method: clinical testing. Allele origin: germline. Affected: yes.
Comment: Has not been previously published as pathogenic or benign to our knowledge; Not observed in large population cohorts (Lek et al., 2016); In silico analysis, which includes protein predictors and evolutionary conservation, supports a deleterious effect